The following is an entry in ClinVar:

NM_000890.5(KCNJ5):c.854C>G (p.Pro285Arg)

Gene: KCNJ5 (potassium inwardly rectifying channel subfamily J member 5; plus strand). Cytogenetic location: 11q24.3.
Variant type: single nucleotide variant.
Coding change: c.854C>G on transcript NM_000890.5 (MANE Select); coding-DNA position 854, C replaced by G.
Protein change: p.Pro285Arg; replaces proline 285 with arginine.
Molecular consequence: missense variant.
Genome position (GRCh38, 1-based): chr11:128,912,127, C>G. VCF-style: chr11-128912127-C-G. GRCh37 (hg19) VCF-style: chr11-128782022-C-G.
Other names: c.854C>G, p.Pro285Arg (NM_001354169.2); short protein forms P285R.
Identifiers: ClinVar variation 1309427 (VCV001309427.2), dbSNP rs2135999648, ClinGen allele CA383251282.

ClinVar aggregate classification (germline): Uncertain significance (1 of 4 stars; one submission).

Submission:

GeneDx
Classification: Uncertain significance. Last evaluated: 2019-10-15. Review status: criteria provided, single submitter. Criteria: GeneDx Variant Classification Process June 2021. Collection method: clinical testing. Allele origin: germline. Affected: yes.
Comment: Has not been previously published as pathogenic or benign to our knowledge; Not observed in large population cohorts (Lek et al., 2016); In silico analysis, which includes protein predictors and evolutionary conservation, supports a deleterious effect